The following is an entry in ClinVar:

ClinVar aggregate classification (germline): Uncertain significance (1 of 4 stars; one submission).

Allele frequency attached by ClinVar (database versions not stated): TOPMed 0.00002.
gnomAD v4.1: 1 of 1,564,612 alleles (0.000064%); highest among the groups gnomAD compares: African/African-American, 0.0014%; no homozygotes.

Submission:

Labcorp Genetics (formerly Invitae), Labcorp
Classification: Uncertain significance. Last evaluated: 2020-01-03. Review status: criteria provided, single submitter. Criteria: Invitae Variant Classification Sherloc (09022015). Collection method: clinical testing. Allele origin: germline.
Comment: In summary, the available evidence is currently insufficient to determine the role of this variant in disease. Therefore, it has been classified as a Variant of Uncertain Significance. Algorithms developed to predict the effect of missense changes on protein structure and function are either unavailable or do not agree on the potential impact of this missense change (SIFT: "Deleterious"; PolyPhen-2: "Possibly Damaging"; Align-GVGD: "Class C0"). This variant has not been reported in the literature in individuals with GRM6-related conditions. This variant is not present in population databases (ExAC no frequency). This sequence change replaces arginine with proline at codon 287 of the GRM6 protein (p.Arg287Pro). The arginine residue is highly conserved and there is a moderate physicochemical difference between arginine and proline.

NM_000843.4(GRM6):c.860G>C (p.Arg287Pro)

Gene: GRM6 (glutamate metabotropic receptor 6; minus strand). Cytogenetic location: 5q35.3.
Variant type: single nucleotide variant.
Coding change: c.860G>C on transcript NM_000843.4 (MANE Select); coding-DNA position 860, G replaced by C.
Protein change: p.Arg287Pro; replaces arginine 287 with proline.
Molecular consequence: missense variant.
Genome position (GRCh38, 1-based): chr5:178,990,744, C>G on the plus strand (G>C on the coding strand, the complement: GRM6 is on the minus strand). VCF-style: chr5-178990744-C-G. GRCh37 (hg19) VCF-style: chr5-178417745-C-G.
Other names: short protein forms R287P.
Identifiers: ClinVar variation 1026569 (VCV001026569.9), dbSNP rs879403706, ClinGen allele CA362432409.